The following is an entry in ClinVar:

ClinVar aggregate classification (germline): Likely pathogenic (1 of 4 stars; one submission).

Submission:

Quest Diagnostics Nichols Institute San Juan Capistrano
Classification: Likely pathogenic. Last evaluated: 2023-07-18. Review status: criteria provided, single submitter. Criteria: ACMG/ClinGen CNV Guidelines, 2019. Collection method: clinical testing. Allele origin: unknown.
Comment: This copy number gain involves numerous protein-coding genes. There are no similar copy number gains of this region in the general populations of the Database of Genomic Variants. Based on gene count, this copy number variant (CNV) is interpreted as likely pathogenic.

GRCh37/hg19 3p21.31-21.2(chr3:48855503-51285217)x3

Genes: APEH (acylaminoacyl-peptide hydrolase; plus strand), AMIGO3 (adhesion molecule with Ig like domain 3; minus strand), AMT (aminomethyltransferase; minus strand), ARIH2 (ariadne RBR E3 ubiquitin protein ligase 2; plus strand), ARIH2OS (ARIH2 opposite strand lncRNA; minus strand) and 61 more. Cytogenetic location: 3p21.31-21.2.
Variant type: copy number gain.
Change: copy number 3 (three copies instead of two) of chr3:48,855,503-51,285,217 (2.43 Mb, GRCh37 coordinates, 1-based), cytogenetic band 3p21.31-21.2.
Identifiers: ClinVar variation 3391820 (VCV003391820.1).